The following is an entry in ClinVar:

ClinVar aggregate classification (germline): Uncertain significance. Review status: criteria provided, multiple submitters, no conflicts (2 of 4 stars). 2 submissions from 2 submitters: Uncertain significance (2). Last evaluated 2026-03-06.

Conditions:
Inborn genetic diseases. Identifiers: MedGen C0950123, MeSH D030342.

gnomAD v4.1: 2 of 1,593,296 alleles (0.00013%); highest among the groups gnomAD compares: Admixed American, 0.0018%; no homozygotes.

Submissions (2):

Ambry Genetics
Classification: Uncertain significance for Inborn genetic diseases. Last evaluated: 2026-03-06. Review status: criteria provided, single submitter. Criteria: Ambry Variant Classification Scheme 2023. Collection method: clinical testing. Allele origin: germline.
Comment: The p.E17G variant (also known as c.50A>G), located in coding exon 1 of the SAMD9 gene, results from an A to G substitution at nucleotide position 50. The glutamic acid at codon 17 is replaced by glycine, an amino acid with similar properties. This amino acid position is conserved. In addition, this alteration is predicted to be tolerated by in silico analysis. Based on the available evidence, the clinical significance of this variant remains unclear.

Labcorp Genetics (formerly Invitae), Labcorp
Classification: Uncertain significance. Last evaluated: 2024-10-05. Review status: criteria provided, single submitter. Criteria: Invitae Variant Classification Sherloc (09022015). Collection method: clinical testing. Allele origin: germline.
Comment: This sequence change replaces glutamic acid, which is acidic and polar, with glycine, which is neutral and non-polar, at codon 17 of the SAMD9 protein (p.Glu17Gly). The frequency data for this variant in the population databases is considered unreliable, as metrics indicate poor data quality at this position in the gnomAD database. This variant has not been reported in the literature in individuals affected with SAMD9-related conditions. Invitae Evidence Modeling of protein sequence and biophysical properties (such as structural, functional, and spatial information, amino acid conservation, physicochemical variation, residue mobility, and thermodynamic stability) indicates that this missense variant is not expected to disrupt SAMD9 protein function with a negative predictive value of 95%. In summary, the available evidence is currently insufficient to determine the role of this variant in disease. Therefore, it has been classified as a Variant of Uncertain Significance.

NM_017654.4(SAMD9):c.50A>G (p.Glu17Gly)

Gene: SAMD9 (sterile alpha motif domain containing 9; minus strand). Cytogenetic location: 7q21.2.
Variant type: single nucleotide variant.
Coding change: c.50A>G on transcript NM_017654.4 (MANE Select); coding-DNA position 50, A replaced by G.
Protein change: p.Glu17Gly; replaces glutamic acid 17 with glycine.
Molecular consequence: missense variant.
Genome position (GRCh38, 1-based): chr7:93,106,048, T>C on the plus strand (A>G on the coding strand, the complement: SAMD9 is on the minus strand). VCF-style: chr7-93106048-T-C. GRCh37 (hg19) VCF-style: chr7-92735361-T-C.
Other names: c.50A>G, p.Glu17Gly (NM_001193307.2); c.50A>G (NM_017654.3); short protein forms E17G.
Identifiers: ClinVar variation 3692724 (VCV003692724.3).